The following is an entry in ClinVar:

ClinVar aggregate classification (germline): Likely pathogenic. Review status: criteria provided, multiple submitters, no conflicts (2 of 4 stars). 3 submissions from 3 submitters: Likely pathogenic (3). Last evaluated 2019-01-18.

Conditions:
MYBPC3-related disorder. Also called: MYBPC3-related disorders; MYBPC3-related condition; MYBPC3-related disease.
Hypertrophic cardiomyopathy. Also called: HYPERTROPHIC MYOCARDIOPATHY. Identifiers: Orphanet 217569, MedGen C0007194, MeSH D002312, MONDO:0005045, HP:0001639.

Submissions (3):

Laboratory for Molecular Medicine, Mass General Brigham Personalized Medicine
Classification: Likely pathogenic for Hypertrophic cardiomyopathy. Last evaluated: 2019-01-18. Review status: criteria provided, single submitter. Criteria: LMM Criteria. Collection method: clinical testing. Allele origin: germline. Observed: 1 variant allele.
Comment: proposed classification - variant undergoing re-assessment, contact laboratory

Blueprint Genetics
Classification: Likely pathogenic for MYBPC3-related disorders. Last evaluated: 2018-09-11. Review status: criteria provided, single submitter. Criteria: ACMG Guidelines, 2015. Collection method: clinical testing. Allele origin: germline. Affected: yes. Observed: 1 variant allele.

Center for Human Genetics, University of Leuven
Classification: Likely pathogenic for Hypertrophic cardiomyopathy. Last evaluated: 2017-02-09. Review status: criteria provided, single submitter. Criteria: ACMG Guidelines, 2015. Collection method: clinical testing. Allele origin: germline. Inheritance: Autosomal dominant inheritance. Affected: yes. Observed: 1 variant allele.
Comment: ACMG score likely pathogenic

Literature cited by the submitters: PubMed 21165360 (cited by Laboratory for Molecular Medicine, Mass General Brigham Personalized Medicine); PubMed 28679633 (cited by Laboratory for Molecular Medicine, Mass General Brigham Personalized Medicine); PubMed 29255176 (cited by Laboratory for Molecular Medicine, Mass General Brigham Personalized Medicine).

NM_000256.3(MYBPC3):c.505+5G>C

Gene: MYBPC3 (myosin binding protein C3; minus strand). Cytogenetic location: 11p11.2.
Variant type: single nucleotide variant.
Coding change: c.505+5G>C on transcript NM_000256.3 (MANE Select); 5 bases into the intron after coding-DNA position 505, G replaced by C.
Molecular consequence: intron variant.
Genome position (GRCh38, 1-based): chr11:47,350,009, C>G on the plus strand (G>C on the coding strand, the complement: MYBPC3 is on the minus strand). VCF-style: chr11-47350009-C-G. GRCh37 (hg19) VCF-style: chr11-47371560-C-G.
Identifiers: ClinVar variation 164151 (VCV000164151.8), dbSNP rs727503219, ClinGen allele CA015288.